The following is an entry in ClinVar:

Conditions:
Breast-ovarian cancer, familial, susceptibility to, 1 (BROVCA1). Also called: BRCA1 Hereditary Breast and Ovarian Cancer; OVARIAN CANCER, SUSCEPTIBILITY TO. Identifiers: Orphanet 145, MedGen C2676676, MONDO:0011450, OMIM 604370. Disease mechanism: loss of function.

Submission:

Brotman Baty Institute, University of Washington
No classification provided (evidence only). Condition: Breast-ovarian cancer, familial 1. Review status: no classification provided. Collection method: in vitro. Allele origin: not applicable. Functional consequence: functionally_normal.
ClinVar note: "not provided" was previously submitted as the classification for the variant. However, the classification appeared to be based only on an observation of functional data so it was converted to no classification on 2025-07-30.

NM_007294.4(BRCA1):c.5530C>G (p.Leu1844Val)

Gene: BRCA1 (BRCA1 DNA repair associated; minus strand). Cytogenetic location: 17q21.31.
Variant type: single nucleotide variant.
Coding change: c.5530C>G on transcript NM_007294.4 (MANE Select); coding-DNA position 5530, C replaced by G.
Protein change: p.Leu1844Val; replaces leucine 1844 with valine.
Molecular consequence: missense variant. On other transcripts: 3 prime UTR variant (1), non-coding transcript variant (1).
Genome position (GRCh38, 1-based): chr17:43,045,740, G>C on the plus strand (C>G on the coding strand, the complement: BRCA1 is on the minus strand). VCF-style: chr17-43045740-G-C. GRCh37 (hg19) VCF-style: chr17-41197757-G-C.
Other names: c.2218C>G, p.Leu740Val (NM_001407983.1, NM_001407984.1, NM_001407985.1 and 11 more transcripts); c.2215C>G, p.Leu739Val (NM_001408392.1, NM_001408396.1, NM_001408397.1 and 7 more transcripts); c.4642C>G, p.Leu1548Val (NM_001407966.1); c.4639C>G, p.Leu1547Val (NM_001407967.1); c.2926C>G, p.Leu976Val (NM_001407968.1); c.2923C>G, p.Leu975Val (NM_001407969.1); c.2287C>G, p.Leu763Val (NM_001407970.1, NM_001407971.1); c.2284C>G, p.Leu762Val (NM_001407972.1); and 74 more; short protein forms L1844V, L1865V, L740V, L1797V, L1772V, L1773V, L1774V, L1795V.
Identifiers: ClinVar variation 868625 (VCV000868625.3), dbSNP rs1471435242, ClinGen allele CA10590260.